The following is an entry in ClinVar:

ClinVar aggregate classification (germline): Uncertain significance (1 of 4 stars; one submission).

Conditions:
Hereditary cancer-predisposing syndrome. Also called: Neoplastic Syndromes, Hereditary; Tumor predisposition; Hereditary Cancer Syndrome; Hereditary neoplastic syndrome. Identifiers: Orphanet 140162, MedGen C0027672, MeSH D009386, MONDO:0015356.

Submission:

Ambry Genetics
Classification: Uncertain significance for Hereditary cancer-predisposing syndrome. Last evaluated: 2025-08-23. Review status: criteria provided, single submitter. Criteria: Ambry Variant Classification Scheme 2023. Collection method: clinical testing. Allele origin: germline.
Comment: The p.E170K variant (also known as c.508G>A), located in coding exon 3 of the XRCC2 gene, results from a G to A substitution at nucleotide position 508. The glutamic acid at codon 170 is replaced by lysine, an amino acid with similar properties. This amino acid position is conserved. In addition, this alteration is predicted to be deleterious by in silico analysis. Based on the available evidence, the clinical significance of this variant remains unclear.

NM_005431.2(XRCC2):c.508G>A (p.Glu170Lys)

Gene: XRCC2 (X-ray repair cross complementing 2; minus strand). Cytogenetic location: 7q36.1.
Variant type: single nucleotide variant.
Coding change: c.508G>A on transcript NM_005431.2 (MANE Select); coding-DNA position 508, G replaced by A.
Protein change: p.Glu170Lys; replaces glutamic acid 170 with lysine.
Molecular consequence: missense variant.
Genome position (GRCh38, 1-based): chr7:152,648,977, C>T on the plus strand (G>A on the coding strand, the complement: XRCC2 is on the minus strand). VCF-style: chr7-152648977-C-T. GRCh37 (hg19) VCF-style: chr7-152346062-C-T.
Other names: short protein forms E170K.
Identifiers: ClinVar variation 4202851 (VCV004202851.1).